The following is an entry in ClinVar:

NM_012233.3(RAB3GAP1):c.2411T>C (p.Val804Ala)

Gene: RAB3GAP1 (RAB3 GTPase activating protein catalytic subunit 1; plus strand). Cytogenetic location: 2q21.3.
Variant type: single nucleotide variant.
Coding change: c.2411T>C on transcript NM_012233.3 (MANE Select); coding-DNA position 2411, T replaced by C.
Protein change: p.Val804Ala; replaces valine 804 with alanine.
Molecular consequence: missense variant.
Genome position (GRCh38, 1-based): chr2:135,162,772, T>C. VCF-style: chr2-135162772-T-C. GRCh37 (hg19) VCF-style: chr2-135920342-T-C.
Other names: c.2411T>C, p.Val804Ala (NM_001172435.2); short protein forms V804A.
Identifiers: ClinVar variation 2008645 (VCV002008645.4), dbSNP rs755683302, ClinGen allele CA1885065.

ClinVar aggregate classification (germline): Uncertain significance (1 of 4 stars; one submission).

Allele frequency attached by ClinVar (database versions not stated): gnomAD exomes below 0.00001; ExAC 0.00001; gnomAD 0.00001.
gnomAD v4.1: 3 of 1,613,524 alleles (0.00019%); highest among the groups gnomAD compares: Non-Finnish European, 0.00025%; no homozygotes.

Submission:

Labcorp Genetics (formerly Invitae), Labcorp
Classification: Uncertain significance. Last evaluated: 2024-10-21. Review status: criteria provided, single submitter. Criteria: Invitae Variant Classification Sherloc (09022015). Collection method: clinical testing. Allele origin: germline.
Comment: This sequence change replaces valine, which is neutral and non-polar, with alanine, which is neutral and non-polar, at codon 804 of the RAB3GAP1 protein (p.Val804Ala). This variant is not present in population databases (gnomAD no frequency). This variant has not been reported in the literature in individuals affected with RAB3GAP1-related conditions. ClinVar contains an entry for this variant (Variation ID: 2008645). Invitae Evidence Modeling of protein sequence and biophysical properties (such as structural, functional, and spatial information, amino acid conservation, physicochemical variation, residue mobility, and thermodynamic stability) indicates that this missense variant is not expected to disrupt RAB3GAP1 protein function with a negative predictive value of 80%. In summary, the available evidence is currently insufficient to determine the role of this variant in disease. Therefore, it has been classified as a Variant of Uncertain Significance.